The following is an entry in ClinVar:

ClinVar aggregate classification (germline): Uncertain significance (1 of 4 stars; one submission).

gnomAD v4.1: 2 of 1,614,144 alleles (0.00012%); highest among the groups gnomAD compares: Non-Finnish European, 0.00017%; no homozygotes.

Submission:

CeGaT Center for Human Genetics Tuebingen
Classification: Uncertain significance. Last evaluated: 2025-12-01. Review status: criteria provided, single submitter. Criteria: CeGaT Center For Human Genetics Tuebingen Variant Classification Criteria Version 2. Collection method: clinical testing. Allele origin: germline. Affected: yes. Observed: 1 variant allele.
Comment: TBXAS1: PM2

NM_001061.7(TBXAS1):c.116T>C (p.Leu39Pro)

Gene: TBXAS1 (thromboxane A synthase 1; plus strand). Cytogenetic location: 7q34.
Variant type: single nucleotide variant.
Coding change: c.116T>C on transcript NM_001061.7 (MANE Select); coding-DNA position 116, T replaced by C.
Protein change: p.Leu39Pro; replaces leucine 39 with proline.
Molecular consequence: missense variant. On other transcripts: 5 prime UTR variant (1), synonymous variant (2).
Genome position (GRCh38, 1-based): chr7:139,872,261, T>C. VCF-style: chr7-139872261-T-C. GRCh37 (hg19) VCF-style: chr7-139572060-T-C.
Other names: c.116T>C, p.Leu39Pro (NM_001130966.5, NM_001166253.4, NM_001366538.2 and 1 more transcripts); c.-86T>C (NM_001166254.4); c.30T>C, p.Thr10= (NM_001314028.4, NM_001366537.3); short protein forms L39P, L40P.
Identifiers: ClinVar variation 4681687 (VCV004681687.5).